The following is an entry in ClinVar:

ClinVar aggregate classification (germline): Likely pathogenic (1 of 4 stars; one submission).

Conditions:
Usher syndrome type 2A. Also called: RETINAL DISEASE IN USHER SYNDROME TYPE IIA, MODIFIER OF; USHER SYNDROME, TYPE IIA. Identifiers: Orphanet 231178, Orphanet 886, MedGen C1848634, MONDO:0010169, OMIM 276901.

Submission:

Natera, Inc.
Classification: Likely pathogenic for Usher syndrome type 2A. Last evaluated: 2024-10-20. Review status: criteria provided, single submitter. Criteria: Natera Variant Classification Schema (03/2026). Collection method: clinical testing. Allele origin: germline.
Comment: The c.7070del variant in USH2A is a frameshift variant predicted to shift the reading frame beginning at codon 2357 and leads to a stop codon 3 codons downstream. This variant is expected to result in nonsense mediated decay, truncation, or a dysfunctional protein product. This variant is rare in the general population with a frequency below the threshold expected for the associated phenotype(s). Given the available evidence, this variant is classified as Likely Pathogenic.

NM_206933.4(USH2A):c.7070del (p.Gly2357fs)

Gene: USH2A (usherin; minus strand). Cytogenetic location: 1q41.
Variant type: Deletion.
Coding change: c.7070del on transcript NM_206933.4 (MANE Select); coding-DNA position 7070, one base deleted (G; older notation c.7070delG).
Protein change: p.Gly2357fs; shifts the reading frame from glycine 2357.
Molecular consequence: frameshift variant.
Genome position (GRCh38, 1-based): chr1:215,965,367, C deleted on the plus strand (G on the coding strand, the reverse complement: USH2A is on the minus strand); the first of 2 consecutive C bases (chr1:215,965,367-215,965,368); deleting either gives the same sequence. VCF-style (leftmost placement, unchanged base first): chr1-215965366-TC-T. GRCh37 (hg19) VCF-style: chr1-216138708-TC-T.
Other names: short protein forms G2357fs.
Identifiers: ClinVar variation 4817147 (VCV004817147.1).